The following is an entry in ClinVar:

NM_007194.4(CHEK2):c.894T>A (p.Tyr298Ter)

Gene: CHEK2 (checkpoint kinase 2; minus strand). Cytogenetic location: 22q12.1.
Variant type: single nucleotide variant.
Coding change: c.894T>A on transcript NM_007194.4 (MANE Select); coding-DNA position 894, T replaced by A.
Protein change: p.Tyr298Ter; replaces tyrosine 298 with a stop codon.
Molecular consequence: nonsense.
Genome position (GRCh38, 1-based): chr22:28,703,519, A>T on the plus strand (T>A on the coding strand, the complement: CHEK2 is on the minus strand). VCF-style: chr22-28703519-A-T. GRCh37 (hg19) VCF-style: chr22-29099507-A-T.
Other names: c.1023T>A, p.Tyr341Ter (NM_001005735.3); c.231T>A, p.Tyr77Ter (NM_001257387.3); c.693T>A, p.Tyr231Ter (NM_001349956.3); c.894T>A, p.Tyr298Ter (NM_145862.3); short protein forms Y231*, Y77*, Y298*, Y341*.
Identifiers: ClinVar variation 2125912 (VCV002125912.4), dbSNP rs876659519, ClinGen allele CA411100996.

ClinVar aggregate classification (germline): Pathogenic (1 of 4 stars; one submission).

Conditions:
Familial cancer of breast. Also called: hereditary breast carcinoma; BREAST CANCER, FAMILIAL; Hereditary breast cancer. Identifiers: Orphanet 227535, MedGen C0346153, MONDO:0016419, OMIM 114480. Disease mechanism: loss of function.

Submission:

Labcorp Genetics (formerly Invitae), Labcorp
Classification: Pathogenic for Familial cancer of breast. Last evaluated: 2022-04-16. Review status: criteria provided, single submitter. Criteria: Invitae Variant Classification Sherloc (09022015). Collection method: clinical testing. Allele origin: germline.
Comment: For these reasons, this variant has been classified as Pathogenic. This variant has not been reported in the literature in individuals affected with CHEK2-related conditions. This variant is not present in population databases (gnomAD no frequency). This sequence change creates a premature translational stop signal (p.Tyr298*) in the CHEK2 gene. It is expected to result in an absent or disrupted protein product. Loss-of-function variants in CHEK2 are known to be pathogenic (PMID: 21876083, 24713400).

Literature cited by the submitters: PubMed 21876083; PubMed 24713400.